The following is an entry in ClinVar:

ClinVar aggregate classification (germline): Uncertain significance (1 of 4 stars; one submission).

Allele frequency attached by ClinVar (database versions not stated): gnomAD 0.00001; gnomAD exomes 0.00001.
gnomAD v4.1: 4 of 1,614,090 alleles (0.00025%); highest among the groups gnomAD compares: Admixed American, 0.0067%; no homozygotes.

Submission:

Labcorp Genetics (formerly Invitae), Labcorp
Classification: Uncertain significance. Last evaluated: 2020-06-27. Review status: criteria provided, single submitter. Criteria: Invitae Variant Classification Sherloc (09022015). Collection method: clinical testing. Allele origin: germline.
Comment: In summary, the available evidence is currently insufficient to determine the role of this variant in disease. Therefore, it has been classified as a Variant of Uncertain Significance. Algorithms developed to predict the effect of missense changes on protein structure and function are either unavailable or do not agree on the potential impact of this missense change (SIFT: "Deleterious"; PolyPhen-2: "Benign"; Align-GVGD: "Class C0"). This variant has not been reported in the literature in individuals with NSD1-related conditions. This variant is not present in population databases (ExAC no frequency). This sequence change replaces serine with arginine at codon 895 of the NSD1 protein (p.Ser895Arg). The serine residue is weakly conserved and there is a moderate physicochemical difference between serine and arginine.

NM_022455.5(NSD1):c.2685T>G (p.Ser895Arg)

Gene: NSD1 (nuclear receptor binding SET domain protein 1; plus strand). Cytogenetic location: 5q35.3.
Variant type: single nucleotide variant.
Coding change: c.2685T>G on transcript NM_022455.5 (MANE Select); coding-DNA position 2685, T replaced by G.
Protein change: p.Ser895Arg; replaces serine 895 with arginine.
Molecular consequence: missense variant.
Genome position (GRCh38, 1-based): chr5:177,211,084, T>G. VCF-style: chr5-177211084-T-G. GRCh37 (hg19) VCF-style: chr5-176638085-T-G.
Other names: c.1812T>G, p.Ser604Arg (NM_001365684.2, NM_001409306.1, NM_001409307.1 and 3 more transcripts); c.2685T>G, p.Ser895Arg (NM_001409301.1, NM_001409302.1, NM_001409303.1); c.2265T>G, p.Ser755Arg (NM_001409304.1); c.1932T>G, p.Ser644Arg (NM_001409305.1); short protein forms S895R, S626R, S604R, S644R, S755R.
Identifiers: ClinVar variation 969406 (VCV000969406.10), dbSNP rs1442977122, ClinGen allele CA362319644.